The following is an entry in ClinVar:

NM_000318.3(PEX2):c.24_25del (p.Lys9fs)

Gene: PEX2 (peroxisomal biogenesis factor 2; minus strand). Cytogenetic location: 8q21.13.
Variant type: Deletion.
Coding change: c.24_25del on transcript NM_000318.3 (MANE Select); coding-DNA positions 24 to 25, 2 bases deleted (GA; older notation c.24_25delGA).
Protein change: p.Lys9fs; shifts the reading frame from lysine 9.
Molecular consequence: frameshift variant.
Genome position (GRCh38, 1-based): chr8:76,984,154-76,984,155, TC deleted on the plus strand (GA on the coding strand, the reverse complement: PEX2 is on the minus strand). VCF-style (leftmost placement, unchanged base first): chr8-76984153-TTC-T. GRCh37 (hg19) VCF-style: chr8-77896389-TTC-T.
Other names: c.24_25del, p.Lys9fs (NM_001079867.2, NM_001172086.2, NM_001172087.2); c.24_25delGA (NM_000318.2); short protein forms K9fs.
Identifiers: ClinVar variation 1458503 (VCV001458503.7), dbSNP rs2132045027, ClinGen allele CA2573143383.

ClinVar aggregate classification (germline): Pathogenic/Likely pathogenic. Review status: criteria provided, multiple submitters, no conflicts (2 of 4 stars). 2 submissions from 2 submitters: Pathogenic (1); Likely pathogenic (1). Last evaluated 2025-06-19.

Conditions:
PEX2-related disorder. Also called: PEX2-related condition.
Peroxisome biogenesis disorder 5A (Zellweger) (PBD5A). Identifiers: Orphanet 912, MedGen C3553940, MONDO:0013932, OMIM 614866.

Submissions (2):

PreventionGenetics, part of Exact Sciences
Classification: Likely pathogenic for PEX2-related condition. Last evaluated: 2025-06-19. Review status: criteria provided, single submitter. Criteria: ACMG Guidelines, 2015. Collection method: clinical testing. Allele origin: germline.
Comment: The PEX2 c.24_25delGA variant is predicted to result in a frameshift and premature protein termination (p.Lys9Glufs*15). To our knowledge, this variant has not been reported in the literature or in a large population database (gnomAD), indicating this variant is rare. Frameshift variants in PEX2 are expected to be pathogenic. This variant is interpreted as likely pathogenic.

Labcorp Genetics (formerly Invitae), Labcorp
Classification: Pathogenic for Peroxisome biogenesis disorder 5A (Zellweger). Last evaluated: 2021-08-14. Review status: criteria provided, single submitter. Criteria: Invitae Variant Classification Sherloc (09022015). Collection method: clinical testing. Allele origin: germline.
Comment: This sequence change creates a premature translational stop signal (p.Lys9Glufs*15) in the PEX2 gene. While this is not anticipated to result in nonsense mediated decay, it is expected to disrupt the last 297 amino acid(s) of the PEX2 protein. For these reasons, this variant has been classified as Pathogenic. This variant disrupts a region of the PEX2 protein in which other variant(s) (p.Leu207Serfs*10) have been determined to be pathogenic (Invitae). This suggests that this is a clinically significant region of the protein, and that variants that disrupt it are likely to be disease-causing. This variant has not been reported in the literature in individuals affected with PEX2-related conditions. This variant is not present in population databases (ExAC no frequency).